The following is an entry in ClinVar:

NM_014159.7(SETD2):c.5729A>T (p.Asp1910Val)

Gene: SETD2 (SET domain containing 2, histone lysine methyltransferase; minus strand). Cytogenetic location: 3p21.31.
Variant type: single nucleotide variant.
Coding change: c.5729A>T on transcript NM_014159.7 (MANE Select); coding-DNA position 5729, A replaced by T.
Protein change: p.Asp1910Val; replaces aspartic acid 1910 with valine.
Molecular consequence: missense variant. On other transcripts: non-coding transcript variant (1).
Genome position (GRCh38, 1-based): chr3:47,084,051, T>A on the plus strand (A>T on the coding strand, the complement: SETD2 is on the minus strand). VCF-style: chr3-47084051-T-A. GRCh37 (hg19) VCF-style: chr3-47125541-T-A.
Other names: c.5597A>T, p.Asp1866Val (NM_001349370.3); short protein forms D1866V, D1910V.
Identifiers: ClinVar variation 3368143 (VCV003368143.1).
Genomic context (GRCh38, chr3:47,084,051, plus strand): 5'-GGGAGTAGCTGTTGTGACTGCAATTCTTCCTCTTCCTCTACAGGGACATTTTCTAATTGA[T>A]CAAGATCCTCTTTGCCATCCTTGCCTTCTAGCTCACTGGTTGCATCAGAGATTGCACTGT-3'
Protein context (NP_054878.5, residues 1900-1920): LEGKDGKEDL[Asp1910Val]QLENVPVEEE

ClinVar aggregate classification (germline): Uncertain significance (1 of 4 stars; one submission).

Submission:

GeneDx
Classification: Uncertain significance. Last evaluated: 2024-01-27. Review status: criteria provided, single submitter. Criteria: GeneDx Variant Classification Process June 2021. Collection method: clinical testing. Allele origin: germline. Affected: yes.
Comment: Not observed at significant frequency in large population cohorts (gnomAD); In silico analysis supports that this missense variant has a deleterious effect on protein structure/function; Has not been previously published as pathogenic or benign to our knowledge